The following is an entry in ClinVar:

NM_001034850.3(RETREG1):c.873+23T>C

Gene: RETREG1 (reticulophagy regulator 1; minus strand). Cytogenetic location: 5p15.1.
Variant type: single nucleotide variant.
Coding change: c.873+23T>C on transcript NM_001034850.3 (MANE Select); 23 bases into the intron after coding-DNA position 873, T replaced by C.
Molecular consequence: intron variant.
Genome position (GRCh38, 1-based): chr5:16,478,011, A>G on the plus strand (T>C on the coding strand, the complement: RETREG1 is on the minus strand). VCF-style: chr5-16478011-A-G. GRCh37 (hg19) VCF-style: chr5-16478120-A-G.
Other names: c.450+23T>C (NM_019000.5).
Identifiers: ClinVar variation 673439 (VCV000673439.4), dbSNP rs162849, ClinGen allele CA3210316.

ClinVar aggregate classification (germline): Benign. Review status: criteria provided, multiple submitters, no conflicts (2 of 4 stars). 3 submissions from 3 submitters: Benign (3). Last evaluated 2021-08-10.

Conditions:
Neuropathy, hereditary sensory and autonomic, type 2B (HSAN2B). Also called: RETREG1-Related HSAN2 (HSAN2B). Identifiers: Orphanet 970, MedGen C2751092, MONDO:0013142, OMIM 613115.

Allele frequency attached by ClinVar (database versions not stated): 1000 Genomes Project 0.33546; 1000 Genomes Project 30x 0.33979; gnomAD exomes 0.37729 and 0.41576; ExAC 0.41157; gnomAD 0.41319 and 0.42260; TOPMed 0.41511; ESP Exome Variant Server 0.43279.
gnomAD v4.1: 655,543 of 1,578,128 alleles (42%); highest among the groups gnomAD compares: Middle Eastern, 47%; 139,972 homozygotes.

Submissions (3):

Genome-Nilou Lab
Classification: Benign for Neuropathy, hereditary sensory and autonomic, type 2B. Last evaluated: 2021-08-10. Review status: criteria provided, single submitter. Criteria: ACMG Guidelines, 2015. Collection method: clinical testing. Allele origin: germline. Affected: no.

GeneDx
Classification: Benign. Last evaluated: 2018-06-19. Review status: criteria provided, single submitter. Criteria: GeneDx Variant Classification (06012015). Collection method: clinical testing. Allele origin: germline. Affected: yes.
Comment: This variant is considered likely benign or benign based on one or more of the following criteria: it is a conservative change, it occurs at a poorly conserved position in the protein, it is predicted to be benign by multiple in silico algorithms, and/or has population frequency not consistent with disease.

Breakthrough Genomics
Classification: Benign. Review status: criteria provided, single submitter. Criteria: ACMG Guidelines, 2015. Collection method: not provided. Allele origin: germline. Inheritance: Autosomal recessive inheritance. Affected: yes.